The following is an entry in ClinVar:

ClinVar aggregate classification (germline): Conflicting classifications of pathogenicity. Review status: criteria provided, conflicting classifications (1 of 4 stars). 2 submissions from 2 submitters: Uncertain significance (1); Likely benign (1). Last evaluated 2025-07-04.

Conditions:
Myopathy, proximal, and ophthalmoplegia (CMYO6). Also called: INCLUSION BODY MYOPATHY 3, AUTOSOMAL DOMINANT; MYOPATHY WITH CONGENITAL JOINT CONTRACTURES, OPHTHALMOPLEGIA, AND RIMMED VACUOLES; CONGENITAL MYOPATHY 6 WITH OPHTHALMOPLEGIA. Identifiers: Orphanet 363677, Orphanet 79091, MedGen C1854106, MONDO:0011577, OMIM 605637.

Allele frequency attached by ClinVar (database versions not stated): ExAC 0.00001; gnomAD exomes 0.00001; TOPMed 0.00002.
gnomAD v4.1: 18 of 1,614,062 alleles (0.0011%); highest among the groups gnomAD compares: Middle Eastern, 0.033%; no homozygotes.

Submissions (2):

Labcorp Genetics (formerly Invitae), Labcorp
Classification: Likely benign for Myopathy, proximal, and ophthalmoplegia. Last evaluated: 2025-07-04. Review status: criteria provided, single submitter. Criteria: Invitae Variant Classification Sherloc (09022015). Collection method: clinical testing. Allele origin: germline.

CeGaT Center for Human Genetics Tuebingen
Classification: Uncertain significance. Last evaluated: 2024-04-01. Review status: criteria provided, single submitter. Criteria: CeGaT Center For Human Genetics Tuebingen Variant Classification Criteria Version 2. Collection method: clinical testing. Allele origin: germline. Affected: yes. Observed: 2 variant alleles.
Comment: MYH2: PM2:Supporting, BP4

NM_017534.6(MYH2):c.465C>A (p.Ile155=)

Genes: MYHAS (myosin heavy chain gene cluster antisense RNA; plus strand), MYH2 (myosin heavy chain 2; minus strand). Cytogenetic location: 17p13.1.
Variant type: single nucleotide variant.
Coding change: c.465C>A on transcript NM_017534.6 (MANE Select); coding-DNA position 465, C replaced by A.
Protein change: p.Ile155=; no amino-acid change (isoleucine 155 retained).
Molecular consequence: synonymous variant.
Genome position (GRCh38, 1-based): chr17:10,545,386, G>T on the plus strand (C>A on the coding strand, the complement: MYH2 is on the minus strand). VCF-style: chr17-10545386-G-T. GRCh37 (hg19) VCF-style: chr17-10448703-G-T.
Other names: c.465C>A, p.Ile155= (NM_001100112.2).
Identifiers: ClinVar variation 772207 (VCV000772207.30), dbSNP rs777358650, ClinGen allele CA8391636.
Genomic context (GRCh38, chr17:10,545,386, plus strand): 5'-AAAGCATTCGGCTCACTCACCAGTCAGCATGAACTGATAGGCGTTGTCAGAGATGGAGAA[G>T]ATGTGGGGCGGGGCCTCCTGGCGCTTTTTGCCTCGGTAGGCTGTCACCACCTCGGGCTTA-3'
Protein context (NP_060004.3, residues 145-165): GKKRQEAPPH[Ile155=]FSISDNAYQF